The following is an entry in ClinVar:

NM_003036.4(SKI):c.293C>T (p.Thr98Ile)

Gene: SKI (SKI proto-oncogene; plus strand). Cytogenetic location: 1p36.33.
Variant type: single nucleotide variant.
Coding change: c.293C>T on transcript NM_003036.4 (MANE Select); coding-DNA position 293, C replaced by T.
Protein change: p.Thr98Ile; replaces threonine 98 with isoleucine.
Molecular consequence: missense variant.
Genome position (GRCh38, 1-based): chr1:2,229,059, C>T. VCF-style: chr1-2229059-C-T. GRCh37 (hg19) VCF-style: chr1-2160498-C-T.
Other names: c.293C>T (NM_003036.3); short protein forms T98I.
Identifiers: ClinVar variation 1690722 (VCV001690722.4), dbSNP rs1257955729, ClinGen allele CA337952485.

ClinVar aggregate classification (germline): Uncertain significance. Review status: criteria provided, multiple submitters, no conflicts (2 of 4 stars). 2 submissions from 2 submitters: Uncertain significance (2). Last evaluated 2021-08-26.

Conditions:
Familial thoracic aortic aneurysm and aortic dissection (TAAD). Also called: Thoracic aortic aneurysms and dissections. Identifiers: Orphanet 91387, MedGen C4707243, MONDO:0019625.

Allele frequency attached by ClinVar (database versions not stated): gnomAD exomes below 0.00001; TOPMed below 0.00001; gnomAD 0.00001.
gnomAD v4.1: 3 of 1,606,306 alleles (0.00019%); highest among the groups gnomAD compares: African/African-American, 0.0013%; no homozygotes.

Submissions (2):

Ambry Genetics
Classification: Uncertain significance for Familial thoracic aortic aneurysm and aortic dissection. Last evaluated: 2021-08-26. Review status: criteria provided, single submitter. Criteria: Ambry Variant Classification Scheme 2023. Collection method: clinical testing. Allele origin: germline.
Comment: The p.T98I variant (also known as c.293C>T), located in coding exon 1 of the SKI gene, results from a C to T substitution at nucleotide position 293. The threonine at codon 98 is replaced by isoleucine, an amino acid with similar properties. This amino acid position is conserved. In addition, the in silico prediction for this alteration is inconclusive. Since supporting evidence is limited at this time, the clinical significance of this alteration remains unclear.

Laboratorio de Genetica e Diagnostico Molecular, Hospital Israelita Albert Einstein
Classification: Uncertain significance. Last evaluated: 2019-10-28. Review status: criteria provided, single submitter. Criteria: ACMG Guidelines, 2015. Collection method: clinical testing. Allele origin: germline. Affected: yes.
Comment: ACMG classification criteria: PM2, PP3